The following is an entry in ClinVar:

ClinVar aggregate classification (germline): Benign (0 of 4 stars; one submission).

Conditions:
SATL1-related disorder. Also called: SATL1-related condition.

Allele frequency attached by ClinVar (database versions not stated): gnomAD exomes 0.00026; ExAC 0.00083; 1000 Genomes Project 30x 0.00208; 1000 Genomes Project 0.00212; ESP Exome Variant Server 0.00246; gnomAD 0.00253; TOPMed 0.00282.
gnomAD v4.1: 578 of 1,210,907 alleles (0.048%); highest among the groups gnomAD compares: African/African-American, 0.86%; 2 homozygotes.

Submission:

PreventionGenetics, part of Exact Sciences
Classification: Benign for SATL1-related condition. Last evaluated: 2019-07-11. Review status: no assertion criteria provided. Collection method: clinical testing. Allele origin: germline.
Comment: This variant is classified as benign based on ACMG/AMP sequence variant interpretation guidelines (Richards et al. 2015 PMID: 25741868, with internal and published modifications).

NM_001367857.2(SATL1):c.1414A>T (p.Ser472Cys)

Gene: SATL1 (spermidine/spermine N1-acetyl transferase like 1; minus strand). Cytogenetic location: Xq21.1.
Variant type: single nucleotide variant.
Coding change: c.1414A>T on transcript NM_001367857.2 (MANE Select); coding-DNA position 1414, A replaced by T.
Protein change: p.Ser472Cys; replaces serine 472 with cysteine.
Molecular consequence: missense variant.
Genome position (GRCh38, 1-based): chrX:85,107,555, T>A on the plus strand (A>T on the coding strand, the complement: SATL1 is on the minus strand). VCF-style: chrX-85107555-T-A. GRCh37 (hg19) VCF-style: chrX-84362561-T-A.
Other names: c.1414A>T, p.Ser472Cys (NM_001012980.2, NM_001367858.2); short protein forms S472C.
Identifiers: ClinVar variation 3049685 (VCV003049685.2), dbSNP rs143122752, ClinGen allele CA10464347.